The following is an entry in ClinVar:

ClinVar aggregate classification (germline): Likely benign (1 of 4 stars; one submission).

Submission:

CeGaT Center for Human Genetics Tuebingen
Classification: Likely benign. Last evaluated: 2023-01-01. Review status: criteria provided, single submitter. Criteria: CeGaT Center For Human Genetics Tuebingen Variant Classification Criteria Version 2. Collection method: clinical testing. Allele origin: germline. Affected: yes. Observed: 1 variant allele.
Comment: PCSK9: PM2:Supporting, BP4, BP7

NM_174936.4(PCSK9):c.2064C>T (p.Ser688=)

Gene: PCSK9 (proprotein convertase subtilisin/kexin type 9; plus strand). Cytogenetic location: 1p32.3.
Variant type: single nucleotide variant.
Coding change: c.2064C>T on transcript NM_174936.4 (MANE Select); coding-DNA position 2064, C replaced by T.
Protein change: p.Ser688=; no amino-acid change (serine 688 retained).
Molecular consequence: synonymous variant. On other transcripts: non-coding transcript variant (8).
Genome position (GRCh38, 1-based): chr1:55,063,569, C>T. VCF-style: chr1-55063569-C-T. GRCh37 (hg19) VCF-style: chr1-55529242-C-T.
Other names: c.2187C>T, p.Ser729= (NM_001407240.1); c.2106C>T, p.Ser702= (NM_001407241.1); c.2067C>T, p.Ser689= (NM_001407242.1); c.2007C>T, p.Ser669= (NM_001407243.1); c.1890C>T, p.Ser630= (NM_001407244.1); c.1872C>T, p.Ser624= (NM_001407245.1); c.1689C>T, p.Ser563= (NM_001407246.1); c.1563C>T, p.Ser521= (NM_001407247.1).
Identifiers: ClinVar variation 2498405 (VCV002498405.28), dbSNP rs1644779282, ClinGen allele CA417960724.